The following is an entry in ClinVar:

NM_025077.4(TOE1):c.1358A>T (p.Tyr453Phe)

Gene: TOE1 (target of EGR1, exonuclease; plus strand). Cytogenetic location: 1p34.1.
Variant type: single nucleotide variant.
Coding change: c.1358A>T on transcript NM_025077.4 (MANE Select); coding-DNA position 1358, A replaced by T.
Protein change: p.Tyr453Phe; replaces tyrosine 453 with phenylalanine.
Molecular consequence: missense variant.
Genome position (GRCh38, 1-based): chr1:45,343,527, A>T. VCF-style: chr1-45343527-A-T. GRCh37 (hg19) VCF-style: chr1-45809199-A-T.
Other names: short protein forms Y453F.
Identifiers: ClinVar variation 1480727 (VCV001480727.8), dbSNP rs1300042760, ClinGen allele CA340141936.

ClinVar aggregate classification (germline): Uncertain significance (1 of 4 stars; one submission).

Allele frequency attached by ClinVar (database versions not stated): gnomAD 0.00001.

Submission:

Labcorp Genetics (formerly Invitae), Labcorp
Classification: Uncertain significance. Last evaluated: 2022-03-12. Review status: criteria provided, single submitter. Criteria: Invitae Variant Classification Sherloc (09022015). Collection method: clinical testing. Allele origin: germline.
Comment: In summary, the available evidence is currently insufficient to determine the role of this variant in disease. Therefore, it has been classified as a Variant of Uncertain Significance. Algorithms developed to predict the effect of missense changes on protein structure and function are either unavailable or do not agree on the potential impact of this missense change (SIFT: "Deleterious"; PolyPhen-2: "Possibly Damaging"; Align-GVGD: "Class C15"). This variant has not been reported in the literature in individuals affected with TOE1-related conditions. This variant is present in population databases (no rsID available, gnomAD 0.006%). This sequence change replaces tyrosine, which is neutral and polar, with phenylalanine, which is neutral and non-polar, at codon 453 of the TOE1 protein (p.Tyr453Phe).